The following is an entry in ClinVar:

NM_001378615.1(CC2D2A):c.1466G>A (p.Arg489Gln)

Genes: CC2D2A (coiled-coil and C2 domain containing 2A; plus strand), FBXL5 (F-box and leucine rich repeat protein 5; minus strand). Cytogenetic location: 4p15.32.
Variant type: single nucleotide variant.
Coding change: c.1466G>A on transcript NM_001378615.1 (MANE Select); coding-DNA position 1466, G replaced by A.
Protein change: p.Arg489Gln; replaces arginine 489 with glutamine.
Molecular consequence: missense variant.
Genome position (GRCh38, 1-based): chr4:15,528,726, G>A. VCF-style: chr4-15528726-G-A. GRCh37 (hg19) VCF-style: chr4-15530349-G-A.
Other names: c.1466G>A, p.Arg489Gln (NM_001080522.2); c.1319G>A, p.Arg440Gln (NM_001378617.1); short protein forms R440Q, R489Q.
Identifiers: ClinVar variation 852087 (VCV000852087.13), dbSNP rs1300362447, ClinGen allele CA356410808.
Genomic context (GRCh38, chr4:15,528,726, plus strand): 5'-AACCTCATCAGTCTCTCGATACCATCCAAAAAACCATCAATGAGTATAAATCTGAAATTC[G>A]GTGAGTAAAGTTTGTTAAGTGTAACTACTTTTTTTCCCGTTAGATGTGCACTTGTTAGAG-3'
Protein context (NP_001365544.1, residues 479-499): KTINEYKSEI[Arg489Gln]QTRKFRDAEQ

ClinVar aggregate classification (germline): Conflicting classifications of pathogenicity. Review status: criteria provided, conflicting classifications (1 of 4 stars). 3 submissions from 3 submitters: Pathogenic (1); Likely pathogenic (1); Uncertain significance (1). Last evaluated 2026-01-05.

Conditions:
Meckel-Gruber syndrome. Also called: Dysencephalia splachnocystica; DYSENCEPHALIA SPLANCHNOCYSTICA; GRUBER SYNDROME. Identifiers: Orphanet 564, MedGen C0265215, MONDO:0018921.
Joubert syndrome. Also called: JOUBERT-BOLTSHAUSER SYNDROME; Familial aplasia of the vermis. Identifiers: Orphanet 475, MedGen C5979921, MONDO:0018772.
Meckel syndrome, type 6. Identifiers: Orphanet 564, MedGen C2676790, MONDO:0012848, OMIM 612284.
Joubert syndrome 9 (JBTS9). Identifiers: Orphanet 2318, MedGen C2676788, MONDO:0012849, OMIM 612285.
COACH syndrome 2. Identifiers: MedGen C5436837, MONDO:0030859, OMIM 619111.
Retinitis pigmentosa 93. Identifiers: MedGen C5676970, MONDO:0030797, OMIM 619845.

Allele frequency attached by ClinVar (database versions not stated): gnomAD 0.00001; TOPMed 0.00001.
gnomAD v4.1: 14 of 1,593,388 alleles (0.00088%); highest among the groups gnomAD compares: Admixed American, 0.0017%; no homozygotes.

Submissions (3):

Labcorp Genetics (formerly Invitae), Labcorp
Classification: Pathogenic for Joubert syndrome; Meckel-Gruber syndrome. Last evaluated: 2026-01-05. Review status: criteria provided, single submitter. Criteria: Invitae Variant Classification Sherloc (09022015). Collection method: clinical testing. Allele origin: germline.
Comment: This sequence change replaces arginine, which is basic and polar, with glutamine, which is neutral and polar, at codon 489 of the CC2D2A protein (p.Arg489Gln). This variant also falls at the last nucleotide of exon 14, which is part of the consensus splice site for this exon. This variant is not present in population databases (gnomAD no frequency). This missense change has been observed in individual(s) with Joubert syndrome (PMID: 36319078). In at least one individual the data is consistent with being in trans (on the opposite chromosome) from a pathogenic variant. ClinVar contains an entry for this variant (Variation ID: 852087). Invitae Evidence Modeling of protein sequence and biophysical properties (such as structural, functional, and spatial information, amino acid conservation, physicochemical variation, residue mobility, and thermodynamic stability) has been performed for this missense variant. However, the output from this modeling did not meet the statistical confidence thresholds required to predict the impact of this variant on CC2D2A protein function. Variants that disrupt the consensus splice site are a relatively common cause of aberrant splicing (PMID: 17576681, 9536098). Algorithms developed to predict the effect of sequence changes on RNA splicing suggest that this variant may disrupt the consensus splice site. For these reasons, this variant has been classified as Pathogenic.

GeneDx
Classification: Likely pathogenic. Last evaluated: 2025-02-13. Review status: criteria provided, single submitter. Criteria: GeneDx Variant Classification Process June 2021. Collection method: clinical testing. Allele origin: germline. Affected: yes.
Comment: Identified in patients with Joubert syndrome in published literature (PMID: 36319078); Alters the last nucleotide of the exon and is predicted to destroy the splice donor site and result in aberrant splicing, although in the absence of functional evidence the actual effect of this sequence change is unknown; Not observed at significant frequency in large population cohorts (gnomAD); This variant is associated with the following publications: (PMID: 36319078)

Fulgent Genetics
Classification: Uncertain significance for Meckel syndrome, type 6; Joubert syndrome 9; COACH syndrome 2; Retinitis pigmentosa 93. Last evaluated: 2024-03-21. Review status: criteria provided, single submitter. Criteria: ACMG Guidelines, 2015. Collection method: clinical testing. Allele origin: germline.

Literature cited by the submitters: PubMed 36319078 (cited by Labcorp Genetics (formerly Invitae), Labcorp); PubMed 17576681 (cited by Labcorp Genetics (formerly Invitae), Labcorp); PubMed 9536098 (cited by Labcorp Genetics (formerly Invitae), Labcorp).